The following is an entry in ClinVar:

ClinVar aggregate classification (germline): Benign (1 of 4 stars; one submission).

Allele frequency attached by ClinVar (database versions not stated): gnomAD 0.04393 and 0.04708; 1000 Genomes Project 0.04952; TOPMed 0.04999; 1000 Genomes Project 30x 0.05481.
gnomAD v4.1: 6,635 of 152,314 alleles (4.4%); highest among the groups gnomAD compares: African/African-American, 15%; 493 homozygotes.

Submission:

GeneDx
Classification: Benign. Last evaluated: 2018-06-19. Review status: criteria provided, single submitter. Criteria: GeneDx Variant Classification (06012015). Collection method: clinical testing. Allele origin: germline. Affected: yes.
Comment: This variant is considered likely benign or benign based on one or more of the following criteria: it is a conservative change, it occurs at a poorly conserved position in the protein, it is predicted to be benign by multiple in silico algorithms, and/or has population frequency not consistent with disease.

NM_001909.5(CTSD):c.472-161G>T

Gene: CTSD (cathepsin D; minus strand). Cytogenetic location: 11p15.5.
Variant type: single nucleotide variant.
Coding change: c.472-161G>T on transcript NM_001909.5 (MANE Select); 161 bases into the intron before coding-DNA position 472, G replaced by T.
Molecular consequence: intron variant.
Genome position (GRCh38, 1-based): chr11:1,757,717, C>A on the plus strand (G>T on the coding strand, the complement: CTSD is on the minus strand). VCF-style: chr11-1757717-C-A. GRCh37 (hg19) VCF-style: chr11-1778947-C-A.
Identifiers: ClinVar variation 679267 (VCV000679267.1), dbSNP rs60582924, ClinGen allele CA216173632.